The following is an entry in ClinVar:

ClinVar aggregate classification (germline): Uncertain significance (1 of 4 stars; one submission).

Conditions:
Charcot-Marie-Tooth disease type 4. Also called: Charcot-Marie-Tooth disease, type IV; Charcot-Marie-Tooth, Type 4. Identifiers: Orphanet 64749, MedGen C4082197, MONDO:0018995.

Submission:

Labcorp Genetics (formerly Invitae), Labcorp
Classification: Uncertain significance for Charcot-Marie-Tooth disease type 4. Last evaluated: 2022-08-20. Review status: criteria provided, single submitter. Criteria: Invitae Variant Classification Sherloc (09022015). Collection method: clinical testing. Allele origin: germline.
Comment: In summary, the available evidence is currently insufficient to determine the role of this variant in disease. Therefore, it has been classified as a Variant of Uncertain Significance. Algorithms developed to predict the effect of missense changes on protein structure and function are either unavailable or do not agree on the potential impact of this missense change (SIFT: "Tolerated"; PolyPhen-2: "Possibly Damaging"; Align-GVGD: "Class C0"). This variant has not been reported in the literature in individuals affected with PRX-related conditions. This variant is not present in population databases (gnomAD no frequency). This sequence change replaces serine, which is neutral and polar, with cysteine, which is neutral and slightly polar, at codon 1390 of the PRX protein (p.Ser1390Cys).

NM_181882.3(PRX):c.4169C>G (p.Ser1390Cys)

Gene: PRX (periaxin; minus strand). Cytogenetic location: 19q13.2.
Variant type: single nucleotide variant.
Coding change: c.4169C>G on transcript NM_181882.3 (MANE Select); coding-DNA position 4169, C replaced by G.
Protein change: p.Ser1390Cys; replaces serine 1390 with cysteine.
Molecular consequence: missense variant. On other transcripts: 3 prime UTR variant (1).
Genome position (GRCh38, 1-based): chr19:40,394,183, G>C on the plus strand (C>G on the coding strand, the complement: PRX is on the minus strand). VCF-style: chr19-40394183-G-C. GRCh37 (hg19) VCF-style: chr19-40900090-G-C.
Other names: c.4454C>G, p.Ser1485Cys (NM_001411127.1); c.*4374C>G (NM_020956.2); short protein forms S1390C, S1485C.
Identifiers: ClinVar variation 1717129 (VCV001717129.5), dbSNP rs2514797240, ClinGen allele CA405890446.
Genomic context (GRCh38, chr19:40,394,183, plus strand): 5'-AACTTGGGTGACTTCTCTCTGACGGGGGACTTGGGGGCTGCATCGCCCTCCTGCCCCCGA[G>C]AGGCTTTAGAAGGGGCCGCCAGGCCTACACGTGGCAAGCGGACCCGGACCCGGCCCCGGC-3'
Protein context (NP_870998.2, residues 1380-1400): RVGLAAPSKA[Ser1390Cys]RGQEGDAAPK